The following is an entry in ClinVar:

NM_014334.4(FRRS1L):c.23A>T (p.His8Leu)

Gene: FRRS1L (ferric chelate reductase 1 like; minus strand). Cytogenetic location: 9q31.3.
Variant type: single nucleotide variant.
Coding change: c.23A>T on transcript NM_014334.4 (MANE Select); coding-DNA position 23, A replaced by T.
Protein change: p.His8Leu; replaces histidine 8 with leucine.
Molecular consequence: missense variant.
Genome position (GRCh38, 1-based): chr9:109,167,116, T>A on the plus strand (A>T on the coding strand, the complement: FRRS1L is on the minus strand). VCF-style: chr9-109167116-T-A. GRCh37 (hg19) VCF-style: chr9-111929396-T-A.
Other names: short protein forms H8L.
Identifiers: ClinVar variation 848908 (VCV000848908.10), dbSNP rs1831565018, ClinGen allele CA374430655.
Genomic context (GRCh38, chr9:109,167,116, plus strand): 5'-GCTGCGCAGGCGGCGGGCCCCGTCAGTAGCAGCAGGAGCAGCGACGCCCAGACCCCCGGG[T>A]GCTGCCGGGGCGGCCGCGCCATCCGTGCGCACAGATCCCGCAGCCAGGCCGCTCGGGCCG-3'
Protein context (NP_055149.3, residues 1-18): MARPPRQ[His8Leu]PGVWASLLLL

ClinVar aggregate classification (germline): Uncertain significance (1 of 4 stars; one submission).

Conditions:
Developmental and epileptic encephalopathy, 37 (DEE37). Also called: Epileptic encephalopathy, early infantile, 37. Identifiers: MedGen C4310770, MONDO:0014859, OMIM 616981.

Submission:

Labcorp Genetics (formerly Invitae), Labcorp
Classification: Uncertain significance for Developmental and epileptic encephalopathy, 37. Last evaluated: 2024-10-16. Review status: criteria provided, single submitter. Criteria: Invitae Variant Classification Sherloc (09022015). Collection method: clinical testing. Allele origin: germline.
Comment: This sequence change replaces histidine, which is basic and polar, with leucine, which is neutral and non-polar, at codon 59 of the FRRS1L protein (p.His59Leu). The frequency data for this variant in the population databases is considered unreliable, as metrics indicate insufficient coverage at this position in the gnomAD database. This variant has not been reported in the literature in individuals affected with FRRS1L-related conditions. ClinVar contains an entry for this variant (Variation ID: 848908). An algorithm developed to predict the effect of missense changes on protein structure and function (PolyPhen-2) suggests that this variant is likely to be tolerated. In summary, the available evidence is currently insufficient to determine the role of this variant in disease. Therefore, it has been classified as a Variant of Uncertain Significance.